The following is an entry in ClinVar:

NM_032578.4(MYPN):c.3265del (p.Leu1089fs)

Gene: MYPN (myopalladin; plus strand). Cytogenetic location: 10q21.3.
Variant type: Deletion.
Coding change: c.3265del on transcript NM_032578.4 (MANE Select); coding-DNA position 3265, one base deleted (C; older notation c.3265delC).
Protein change: p.Leu1089fs; shifts the reading frame from leucine 1089.
Molecular consequence: frameshift variant. On other transcripts: non-coding transcript variant (2).
Genome position (GRCh38, 1-based): chr10:68,197,458, C deleted; the last of 2 consecutive C bases (chr10:68,197,457-68,197,458); deleting either gives the same sequence. VCF-style (leftmost placement, unchanged base first): chr10-68197456-GC-G. GRCh37 (hg19) VCF-style: chr10-69957213-GC-G.
Other names: c.3265del, p.Leu1089fs (NM_001256267.2); c.2383del, p.Leu795fs (NM_001256268.2); c.3265delC (NM_032578.4); short protein forms L1089fs, L795fs.
Identifiers: ClinVar variation 3896928 (VCV003896928.1).

ClinVar aggregate classification (germline): Likely pathogenic (1 of 4 stars; one submission).

Conditions:
Dilated cardiomyopathy 1KK (CMD1KK). Identifiers: Orphanet 154, Orphanet 75249, MedGen C3714995, MONDO:0014100, OMIM 615248.
MYPN-related myopathy (CMYO24). Also called: Nemaline myopathy 11, autosomal recessive. Identifiers: MedGen C4479186, MONDO:0015023, OMIM 617336.

Submission:

Kariminejad - Najmabadi Pathology & Genetics Center
Classification: Likely pathogenic for Dilated cardiomyopathy 1KK; MYPN-related myopathy. Last evaluated: 2022-08-13. Review status: criteria provided, single submitter. Criteria: ACMG Guidelines, 2015. Collection method: clinical testing. Allele origin: germline. Inheritance: Autosomal recessive inheritance. Affected: yes.
Comment: PVS1-PM2